The following is an entry in ClinVar:

NM_006231.4(POLE):c.2091C>T (p.Pro697=)

Gene: POLE (DNA polymerase epsilon, catalytic subunit; minus strand). Cytogenetic location: 12q24.33.
Variant type: single nucleotide variant.
Coding change: c.2091C>T on transcript NM_006231.4 (MANE Select); coding-DNA position 2091, C replaced by T.
Protein change: p.Pro697=; no amino-acid change (proline 697 retained).
Molecular consequence: synonymous variant.
Genome position (GRCh38, 1-based): chr12:132,668,438, G>A on the plus strand (C>T on the coding strand, the complement: POLE is on the minus strand). VCF-style: chr12-132668438-G-A. GRCh37 (hg19) VCF-style: chr12-133245024-G-A.
Identifiers: ClinVar variation 515680 (VCV000515680.21), dbSNP rs1060504055, ClinGen allele CA482722233.

ClinVar aggregate classification (germline): Likely benign. Review status: criteria provided, multiple submitters, no conflicts (2 of 4 stars). 4 submissions from 4 submitters: Likely benign (4). Last evaluated 2025-07-07.

Conditions:
Hereditary cancer-predisposing syndrome. Also called: Hereditary Cancer Syndrome; Neoplastic Syndromes, Hereditary; Tumor predisposition; Hereditary neoplastic syndrome. Identifiers: Orphanet 140162, MedGen C0027672, MeSH D009386, MONDO:0015356.

gnomAD v4.1: 9 of 1,611,034 alleles (0.00056%); highest among the groups gnomAD compares: Non-Finnish European, 0.00076%; no homozygotes.

Submissions (4):

Labcorp Genetics (formerly Invitae), Labcorp
Classification: Likely benign. Last evaluated: 2025-07-07. Review status: criteria provided, single submitter. Criteria: Invitae Variant Classification Sherloc (09022015). Collection method: clinical testing. Allele origin: germline.

Center for Genomic Medicine, Rigshospitalet, Copenhagen University Hospital
Classification: Likely benign. Last evaluated: 2025-03-04. Review status: criteria provided, single submitter. Criteria: ACMG Guidelines, 2015. Collection method: clinical testing. Allele origin: germline.

Ambry Genetics
Classification: Likely benign for Hereditary cancer-predisposing syndrome. Last evaluated: 2020-01-08. Review status: criteria provided, single submitter. Criteria: Ambry Variant Classification Scheme 2023. Collection method: clinical testing. Allele origin: germline.

GeneDx
Classification: Likely benign. Last evaluated: 2018-02-19. Review status: criteria provided, single submitter. Criteria: GeneDx Variant Classification (06012015). Collection method: clinical testing. Allele origin: germline. Affected: yes.
Comment: This variant is considered likely benign or benign based on one or more of the following criteria: it is a conservative change, it occurs at a poorly conserved position in the protein, it is predicted to be benign by multiple in silico algorithms, and/or has population frequency not consistent with disease.